The following is an entry in ClinVar:

ClinVar aggregate classification (germline): Pathogenic (1 of 4 stars; one submission).

Submission:

Labcorp Genetics (formerly Invitae), Labcorp
Classification: Pathogenic. Last evaluated: 2022-09-27. Review status: criteria provided, single submitter. Criteria: Invitae Variant Classification Sherloc (09022015). Collection method: clinical testing. Allele origin: germline.
Comment: This sequence change creates a premature translational stop signal (p.Gln4*) in the C17orf62 gene. It is expected to result in an absent or disrupted protein product. Loss-of-function variants in C17orf62 are known to be pathogenic (PMID: 28351984, 30361506). This variant is not present in population databases (gnomAD no frequency). This variant has not been reported in the literature in individuals affected with C17orf62-related conditions. For these reasons, this variant has been classified as Pathogenic.

Literature cited by the submitters: PubMed 28351984; PubMed 30361506.

NM_001033046.4(CYBC1):c.10C>T (p.Gln4Ter)

Gene: CYBC1 (cytochrome b-245 chaperone 1; minus strand). Cytogenetic location: 17q25.3.
Variant type: single nucleotide variant.
Coding change: c.10C>T on transcript NM_001033046.4 (MANE Select); coding-DNA position 10, C replaced by T.
Protein change: p.Gln4Ter; replaces glutamine 4 with a stop codon.
Molecular consequence: nonsense. On other transcripts: non-coding transcript variant (1).
Genome position (GRCh38, 1-based): chr17:82,449,245, G>A on the plus strand (C>T on the coding strand, the complement: CYBC1 is on the minus strand). VCF-style: chr17-82449245-G-A. GRCh37 (hg19) VCF-style: chr17-80407121-G-A.
Other names: c.10C>T, p.Gln4Ter (NM_001100407.3, NM_001100408.3, NM_001193653.2 and 3 more transcripts); short protein forms Q4*.
Identifiers: ClinVar variation 2032798 (VCV002032798.4), dbSNP rs2510077415, ClinGen allele CA401609462.